The following is an entry in ClinVar:

ClinVar aggregate classification (germline): Uncertain significance (1 of 4 stars; one submission).

Conditions:
Multiple endocrine neoplasia, type 1 (MEN1). Also called: MEN I; WERMER SYNDROME; Endocrine adenomatosis multiple; MEN 1; MEA I. Identifiers: Orphanet 652, MedGen C0025267, MeSH D018761, MONDO:0007540, OMIM 131100.

Submission:

Labcorp Genetics (formerly Invitae), Labcorp
Classification: Uncertain significance for Multiple endocrine neoplasia, type 1. Last evaluated: 2025-05-05. Review status: criteria provided, single submitter. Criteria: Invitae Variant Classification Sherloc (09022015). Collection method: clinical testing. Allele origin: germline.
Comment: This sequence change replaces alanine, which is neutral and non-polar, with threonine, which is neutral and polar, at codon 464 of the MEN1 protein (p.Ala464Thr). This variant is not present in population databases (gnomAD no frequency). This variant has not been reported in the literature in individuals affected with MEN1-related conditions. ClinVar contains an entry for this variant (Variation ID: 1490123). Invitae Evidence Modeling of protein sequence and biophysical properties (such as structural, functional, and spatial information, amino acid conservation, physicochemical variation, residue mobility, and thermodynamic stability) indicates that this missense variant is not expected to disrupt MEN1 protein function with a negative predictive value of 95%. In summary, the available evidence is currently insufficient to determine the role of this variant in disease. Therefore, it has been classified as a Variant of Uncertain Significance.

NM_001370259.2(MEN1):c.1390G>A (p.Ala464Thr)

Gene: MEN1 (menin 1; minus strand). Cytogenetic location: 11q13.1.
Variant type: single nucleotide variant.
Coding change: c.1390G>A on transcript NM_001370259.2 (MANE Select); coding-DNA position 1390, G replaced by A.
Protein change: p.Ala464Thr; replaces alanine 464 with threonine.
Molecular consequence: missense variant.
Genome position (GRCh38, 1-based): chr11:64,804,777, C>T on the plus strand (G>A on the coding strand, the complement: MEN1 is on the minus strand). VCF-style: chr11-64804777-C-T. GRCh37 (hg19) VCF-style: chr11-64572249-C-T.
Other names: c.1405G>A, p.Ala469Thr (NM_000244.4, NM_130800.3, NM_130801.3 and 3 more transcripts); c.1516G>A, p.Ala506Thr (NM_001370251.2); c.1390G>A, p.Ala464Thr (NM_001370260.2, NM_001370261.2, NM_130799.3); c.1285G>A, p.Ala429Thr (NM_001370262.2, NM_001370263.2); short protein forms A464T, A469T, A506T, A429T.
Identifiers: ClinVar variation 1490123 (VCV001490123.6), dbSNP rs2136092866, ClinGen allele CA381179722.